The following is an entry in ClinVar:

NM_002087.4(GRN):c.1630T>C (p.Cys544Arg)

Gene: GRN (granulin precursor; plus strand). Cytogenetic location: 17q21.31.
Variant type: single nucleotide variant.
Coding change: c.1630T>C on transcript NM_002087.4 (MANE Select); coding-DNA position 1630, T replaced by C.
Protein change: p.Cys544Arg; replaces cysteine 544 with arginine.
Molecular consequence: missense variant.
Genome position (GRCh38, 1-based): chr17:44,352,557, T>C. VCF-style: chr17-44352557-T-C. GRCh37 (hg19) VCF-style: chr17-42429925-T-C.
Other names: short protein forms C544R.
Identifiers: ClinVar variation 2161973 (VCV002161973.4), dbSNP rs1419628097, ClinGen allele CA399770679.

ClinVar aggregate classification (germline): Uncertain significance (1 of 4 stars; one submission).

Conditions:
Neuronal ceroid lipofuscinosis 11. Also called: GRN-Related Neuronal Ceroid-Lipofuscinosis. Identifiers: Orphanet 314629, Orphanet 79262, MedGen C3539123, MONDO:0013866, OMIM 614706.
GRN-related frontotemporal lobar degeneration with Tdp43 inclusions (FTD2). Also called: DEMENTIA, HEREDITARY DYSPHASIC DISINHIBITION; FRONTOTEMPORAL LOBAR DEGENERATION WITH UBIQUITIN-POSITIVE INCLUSIONS; FTLD-TDP, GRN-RELATED; GRN Frontotemporal Dementia; FRONTOTEMPORAL DEMENTIA WITH TDP43 INCLUSIONS, GRN-RELATED. Identifiers: Orphanet 100070, Orphanet 282, MedGen C1843792, MONDO:0011842, OMIM 607485. Disease mechanism: loss of function.

Allele frequency attached by ClinVar (database versions not stated): gnomAD exomes below 0.00001; gnomAD 0.00001; TOPMed 0.00001.

Submission:

Labcorp Genetics (formerly Invitae), Labcorp
Classification: Uncertain significance for Neuronal ceroid lipofuscinosis 11; GRN-related frontotemporal lobar degeneration with Tdp43 inclusions. Last evaluated: 2023-11-27. Review status: criteria provided, single submitter. Criteria: Invitae Variant Classification Sherloc (09022015). Collection method: clinical testing. Allele origin: germline.
Comment: This sequence change replaces cysteine, which is neutral and slightly polar, with arginine, which is basic and polar, at codon 544 of the GRN protein (p.Cys544Arg). This variant is present in population databases (no rsID available, gnomAD 0.01%). This variant has not been reported in the literature in individuals affected with GRN-related conditions. ClinVar contains an entry for this variant (Variation ID: 2161973). Advanced modeling of protein sequence and biophysical properties (such as structural, functional, and spatial information, amino acid conservation, physicochemical variation, residue mobility, and thermodynamic stability) performed at Invitae indicates that this missense variant is expected to disrupt GRN protein function with a positive predictive value of 80%. In summary, the available evidence is currently insufficient to determine the role of this variant in disease. Therefore, it has been classified as a Variant of Uncertain Significance.